The following is an entry in ClinVar:

ClinVar aggregate classification (germline): Uncertain significance. Review status: criteria provided, multiple submitters, no conflicts (2 of 4 stars). 2 submissions from 2 submitters: Uncertain significance (2). Last evaluated 2024-05-24.

Conditions:
Familial hypokalemia-hypomagnesemia (GTLMNS). Also called: HYPOMAGNESEMIA-HYPOKALEMIA, PRIMARY RENOTUBULAR, WITH HYPOCALCIURIA; POTASSIUM AND MAGNESIUM DEPLETION; gitelman syndrome. Identifiers: Orphanet 358, MedGen C0268450, MONDO:0009904, OMIM 263800.

Allele frequency attached by ClinVar (database versions not stated): ExAC 0.00003.
gnomAD v4.1: 10 of 1,613,460 alleles (0.00062%); highest among the groups gnomAD compares: South Asian, 0.011%; no homozygotes.

Submissions (2):

MVZ Medizinische Genetik Mainz
Classification: Uncertain significance for Familial hypokalemia-hypomagnesemia. Last evaluated: 2024-05-24. Review status: criteria provided, single submitter. Criteria: UK Practice Guidelines For Variant Classification V4 01 2020. Collection method: clinical testing. Allele origin: germline. Inheritance: Autosomal recessive inheritance. Affected: yes. Observed: 1 variant allele.
Comment: ACMG Criteria: PM2_SUP

Blueprint Genetics
Classification: Uncertain significance. Last evaluated: 2021-09-27. Review status: criteria provided, single submitter. Criteria: ACMG Guidelines, 2015. Collection method: clinical testing. Allele origin: germline.

NM_001126108.2(SLC12A3):c.1420G>T (p.Val474Phe)

Gene: SLC12A3 (solute carrier family 12 member 3; plus strand). Cytogenetic location: 16q13.
Variant type: single nucleotide variant.
Coding change: c.1420G>T on transcript NM_001126108.2 (MANE Select); coding-DNA position 1420, G replaced by T.
Protein change: p.Val474Phe; replaces valine 474 with phenylalanine.
Molecular consequence: missense variant.
Genome position (GRCh38, 1-based): chr16:56,879,626, G>T. VCF-style: chr16-56879626-G-T. GRCh37 (hg19) VCF-style: chr16-56913538-G-T.
Other names: c.1420G>T, p.Val474Phe (NM_000339.3); c.1417G>T, p.Val473Phe (NM_001126107.2, NM_001410896.1); short protein forms V473F, V474F.
Identifiers: ClinVar variation 3248532 (VCV003248532.2), dbSNP rs369263832.